The following is an entry in ClinVar:

NM_001128840.3(CACNA1D):c.5996C>G (p.Pro1999Arg)

Gene: CACNA1D (calcium voltage-gated channel subunit alpha1 D; plus strand). Cytogenetic location: 3p21.1.
Variant type: single nucleotide variant.
Coding change: c.5996C>G on transcript NM_001128840.3 (MANE Select); coding-DNA position 5996, C replaced by G.
Protein change: p.Pro1999Arg; replaces proline 1999 with arginine.
Molecular consequence: missense variant.
Genome position (GRCh38, 1-based): chr3:53,810,102, C>G. VCF-style: chr3-53810102-C-G. GRCh37 (hg19) VCF-style: chr3-53844129-C-G.
Other names: c.6056C>G, p.Pro2019Arg (NM_000720.4); c.5924C>G, p.Pro1975Arg (NM_001128839.3); c.6056C>G (NM_000720.3); short protein forms P1999R, P1975R, P2019R.
Identifiers: ClinVar variation 2789014 (VCV002789014.4), dbSNP rs1259445489, ClinGen allele CA353258249.

ClinVar aggregate classification (germline): Uncertain significance. Review status: criteria provided, single submitter (1 of 4 stars). 2 submissions from 2 submitters: Uncertain significance (1). 1 of the submissions does not count toward it. Last evaluated 2023-10-23.

Conditions:
CACNA1D-related disorder.

Allele frequency attached by ClinVar (database versions not stated): gnomAD exomes below 0.00001.
gnomAD v4.1: 1 of 1,614,024 alleles (0.000062%); highest among the groups gnomAD compares: Non-Finnish European, 0.000085%; no homozygotes.

Submissions (2):

Labcorp Genetics (formerly Invitae), Labcorp
Classification: Uncertain significance. Last evaluated: 2023-10-23. Review status: criteria provided, single submitter. Criteria: Invitae Variant Classification Sherloc (09022015). Collection method: clinical testing. Allele origin: germline.
Comment: This sequence change replaces proline, which is neutral and non-polar, with arginine, which is basic and polar, at codon 2019 of the CACNA1D protein (p.Pro2019Arg). This variant is not present in population databases (gnomAD no frequency). This variant has not been reported in the literature in individuals affected with CACNA1D-related conditions. An algorithm developed to predict the effect of missense changes on protein structure and function (PolyPhen-2) suggests that this variant is likely to be disruptive. In summary, the available evidence is currently insufficient to determine the role of this variant in disease. Therefore, it has been classified as a Variant of Uncertain Significance.

PreventionGenetics, part of Exact Sciences
Classification: Uncertain significance for CACNA1D-related condition. Last evaluated: 2024-03-21. Review status: no assertion criteria provided. Collection method: clinical testing. Allele origin: germline. Not counted in ClinVar's aggregate classification.
Comment: The CACNA1D c.6056C>G variant is predicted to result in the amino acid substitution p.Pro2019Arg. To our knowledge, this variant has not been reported in the literature or in a large population database, indicating this variant is rare. At this time, the clinical significance of this variant is uncertain due to the absence of conclusive functional and genetic evidence.